The following is an entry in ClinVar:

ClinVar aggregate classification (germline): Benign (1 of 4 stars; one submission).

Conditions:
Familial adenomatous polyposis 1 (FAP1). Also called: POLYPOSIS, ADENOMATOUS INTESTINAL; FAMILIAL ADENOMATOUS POLYPOSIS 1, ATTENUATED. Identifiers: MedGen C2713442, MONDO:0021056, OMIM 175100. Disease mechanism: loss of function.

Allele frequency attached by ClinVar (database versions not stated): ExAC 0.00001.
gnomAD v4.1: 7 of 1,611,952 alleles (0.00043%); highest among the groups gnomAD compares: Non-Finnish European, 0.00059%; no homozygotes.

Submission:

Myriad Genetics, Inc.
Classification: Benign for Familial adenomatous polyposis 1. Last evaluated: 2024-03-08. Review status: criteria provided, single submitter. Criteria: Myriad Autosomal Dominant, Autosomal Recessive and X-Linked Classification Criteria (2023). Collection method: clinical testing. Allele origin: unknown.
Comment: This variant is considered benign. This variant is a silent/synonymous amino acid change and it is not expected to impact splicing.

NM_000038.6(APC):c.1965C>A (p.Ile655=)

Gene: APC (APC regulator of Wnt signaling pathway; plus strand). Cytogenetic location: 5q22.2.
Variant type: single nucleotide variant.
Coding change: c.1965C>A on transcript NM_000038.6 (MANE Select); coding-DNA position 1965, C replaced by A.
Protein change: p.Ile655=; no amino-acid change (isoleucine 655 retained).
Molecular consequence: synonymous variant. On other transcripts: non-coding transcript variant (2).
Genome position (GRCh38, 1-based): chr5:112,837,559, C>A. VCF-style: chr5-112837559-C-A. GRCh37 (hg19) VCF-style: chr5-112173256-C-A.
Other names: c.1965C>A, p.Ile655= (NM_001127510.3, NM_001354895.2, NM_001407450.1); c.1911C>A, p.Ile637= (NM_001127511.3); c.2019C>A, p.Ile673= (NM_001354896.2, NM_001407447.1, NM_001407448.1 and 1 more transcripts); c.1995C>A, p.Ile665= (NM_001354897.2); c.1890C>A, p.Ile630= (NM_001354898.2); c.1881C>A, p.Ile627= (NM_001354899.2); c.1842C>A, p.Ile614= (NM_001354900.2); c.1788C>A, p.Ile596= (NM_001354901.2, NM_001407453.1); and 11 more.
Identifiers: ClinVar variation 3148189 (VCV003148189.1), dbSNP rs765309567, ClinGen allele CA030460.